The following is an entry in ClinVar:

ClinVar aggregate classification (germline): Likely benign (0 of 4 stars; one submission).

Conditions:
LZTS1-related disorder. Also called: LZTS1-related condition.

gnomAD v4.1: 2 of 1,606,456 alleles (0.00012%); highest among the groups gnomAD compares: Admixed American, 0.0017%; no homozygotes.

Submission:

PreventionGenetics, part of Exact Sciences
Classification: Likely benign for LZTS1-related condition. Last evaluated: 2021-04-29. Review status: no assertion criteria provided. Collection method: clinical testing. Allele origin: germline.
Comment: This variant is classified as likely benign based on ACMG/AMP sequence variant interpretation guidelines (Richards et al. 2015 PMID: 25741868, with internal and published modifications).

NM_021020.5(LZTS1):c.1435C>A (p.Arg479=)

Gene: LZTS1 (leucine zipper tumor suppressor 1; minus strand). Cytogenetic location: 8p21.3.
Variant type: single nucleotide variant.
Coding change: c.1435C>A on transcript NM_021020.5 (MANE Select); coding-DNA position 1435, C replaced by A.
Protein change: p.Arg479=; no amino-acid change (arginine 479 retained).
Molecular consequence: synonymous variant.
Genome position (GRCh38, 1-based): chr8:20,250,078, G>T on the plus strand (C>A on the coding strand, the complement: LZTS1 is on the minus strand). VCF-style: chr8-20250078-G-T. GRCh37 (hg19) VCF-style: chr8-20107589-G-T.
Other names: c.1435C>A, p.Arg479= (NM_001362884.2).
Identifiers: ClinVar variation 3032783 (VCV003032783.2), dbSNP rs1461997371, ClinGen allele CA459879867.